The following is an entry in ClinVar:

NM_024411.5(PDYN):c.*225T>C

Genes: PDYN (prodynorphin; minus strand), PDYN-AS1 (PDYN antisense RNA 1; plus strand). Cytogenetic location: 20p13.
Variant type: single nucleotide variant.
Coding change: c.*225T>C on transcript NM_024411.5 (MANE Select); 225 bases downstream of the stop codon, T replaced by C.
Molecular consequence: 3 prime UTR variant.
Genome position (GRCh38, 1-based): chr20:1,980,098, A>G on the plus strand (T>C on the coding strand, the complement: PDYN is on the minus strand). VCF-style: chr20-1980098-A-G. GRCh37 (hg19) VCF-style: chr20-1960744-A-G.
Other names: c.*225T>C (NM_001190892.1, NM_001190898.3, NM_001190899.2 and 1 more transcripts).
Identifiers: ClinVar variation 896491 (VCV000896491.4), dbSNP rs569014510, ClinGen allele CA310825099.

ClinVar aggregate classification (germline): Benign (1 of 4 stars; one submission).

Conditions:
Spinocerebellar ataxia type 23 (SCA23). Identifiers: Orphanet 101108, MedGen C1853250, MONDO:0012449, OMIM 610245.

Allele frequency attached by ClinVar (database versions not stated): gnomAD 0.00006; TOPMed 0.00006; 1000 Genomes Project 30x 0.00031; 1000 Genomes Project 0.00040.

Submission:

Illumina Laboratory Services, Illumina
Classification: Benign for Spinocerebellar ataxia type 23. Last evaluated: 2018-01-13. Review status: criteria provided, single submitter. Criteria: ICSL Variant Classification Criteria 13 December 2019. Collection method: clinical testing. Allele origin: germline.
Comment: This variant was observed in the ICSL laboratory as part of a predisposition screen in an ostensibly healthy population. It had not been previously curated by ICSL or reported in the Human Gene Mutation Database (HGMD: prior to June 1st, 2018), and was therefore a candidate for classification through an automated scoring system. Utilizing variant allele frequency, disease prevalence and penetrance estimates, and inheritance mode, an automated score was calculated to assess if this variant is too frequent to cause the disease. Based on the score and internal cut-off values, a variant classified as benign is not then subjected to further curation. The score for this variant resulted in a classification of benign for this disease.